The following is an entry in ClinVar:

ClinVar aggregate classification (germline): Uncertain significance. Review status: criteria provided, multiple submitters, no conflicts (2 of 4 stars). 3 submissions from 3 submitters: Uncertain significance (3). Last evaluated 2026-01-06.

Conditions:
Cardiovascular phenotype. Identifiers: MedGen CN230736.
Ehlers-Danlos syndrome, kyphoscoliotic type, 2. Also called: FKBP14-Kyphoscoliotic Ehlers-Danlos Syndrome; Ehlers-Danlos syndrome with progressive kyphoscoliosis, myopathy, and hearing loss; Ehlers-Danlos syndrome, kyphoscoliotic and deafness type. Identifiers: Orphanet 300179, MedGen C3281160, MONDO:0013800, OMIM 614557.

Allele frequency attached by ClinVar (database versions not stated): ExAC 0.00001; gnomAD exomes 0.00001 and 0.00002; gnomAD 0.00003; TOPMed 0.00006; ESP Exome Variant Server 0.00008.
gnomAD v4.1: 13 of 1,614,046 alleles (0.00081%); highest among the groups gnomAD compares: African/African-American, 0.011%; no homozygotes.

Submissions (3):

Women's Health and Genetics/Laboratory Corporation of America, LabCorp
Classification: Uncertain significance. Last evaluated: 2026-01-06. Review status: criteria provided, single submitter. Criteria: LabCorp Variant Classification Summary - May 2015. Collection method: clinical testing. Allele origin: germline.
Comment: Variant summary: FKBP14 c.92T>C (p.Val31Ala) results in a non-conservative amino acid change in the encoded protein sequence. Algorithms developed to predict the effect of missense changes on protein structure and function are either unavailable or do not agree on the potential impact of this missense change. The variant allele was found at a frequency of 2.4e-05 in 251480 control chromosomes. The available data on variant occurrences in the general population are insufficient to allow any conclusion about variant significance. To our knowledge, no occurrence of c.92T>C in individuals affected with FKBP14-related conditions and no experimental evidence demonstrating its impact on protein function have been reported. ClinVar contains an entry for this variant (Variation ID: 836945). Based on the evidence outlined above, the variant was classified as uncertain significance.

Ambry Genetics
Classification: Uncertain significance for Cardiovascular phenotype. Last evaluated: 2025-05-03. Review status: criteria provided, single submitter. Criteria: Ambry Variant Classification Scheme 2023. Collection method: clinical testing. Allele origin: germline.
Comment: The p.V31A variant (also known as c.92T>C), located in coding exon 1 of the FKBP14 gene, results from a T to C substitution at nucleotide position 92. The valine at codon 31 is replaced by alanine, an amino acid with similar properties. This amino acid position is conserved. In addition, this alteration is predicted to be tolerated by in silico analysis. Since supporting evidence is limited at this time, the clinical significance of this alteration remains unclear.

Labcorp Genetics (formerly Invitae), Labcorp
Classification: Uncertain significance for Ehlers-Danlos syndrome, kyphoscoliotic type, 2. Last evaluated: 2021-09-02. Review status: criteria provided, single submitter. Criteria: Invitae Variant Classification Sherloc (09022015). Collection method: clinical testing. Allele origin: germline.
Comment: This sequence change replaces valine with alanine at codon 31 of the FKBP14 protein (p.Val31Ala). The valine residue is highly conserved and there is a small physicochemical difference between valine and alanine. This variant is present in population databases (rs372805238, ExAC 0.01%). This variant has not been reported in the literature in individuals affected with FKBP14-related conditions. Algorithms developed to predict the effect of missense changes on protein structure and function are either unavailable or do not agree on the potential impact of this missense change (SIFT: "Tolerated"; PolyPhen-2: "Possibly Damaging"; Align-GVGD: "Class C0"). In summary, the available evidence is currently insufficient to determine the role of this variant in disease. Therefore, it has been classified as a Variant of Uncertain Significance.

NM_017946.4(FKBP14):c.92T>C (p.Val31Ala)

Genes: FKBP14-AS1 (FKBP14 antisense RNA 1; plus strand), FKBP14 (FKBP prolyl isomerase 14; minus strand). Cytogenetic location: 7p14.3.
Variant type: single nucleotide variant.
Coding change: c.92T>C on transcript NM_017946.4 (MANE Select); coding-DNA position 92, T replaced by C.
Protein change: p.Val31Ala; replaces valine 31 with alanine.
Molecular consequence: missense variant. On other transcripts: non-coding transcript variant (2).
Genome position (GRCh38, 1-based): chr7:30,026,417, A>G on the plus strand (T>C on the coding strand, the complement: FKBP14 is on the minus strand). VCF-style: chr7-30026417-A-G. GRCh37 (hg19) VCF-style: chr7-30066033-A-G.
Other names: short protein forms V31A.
Identifiers: ClinVar variation 836945 (VCV000836945.8), dbSNP rs372805238, ClinGen allele CA4203506.